The following is an entry in ClinVar:

ClinVar aggregate classification (germline): Uncertain significance (1 of 4 stars; one submission).

gnomAD v4.1: 4 of 1,207,913 alleles (0.00033%); highest among the groups gnomAD compares: Non-Finnish European, 0.00022%; no homozygotes.

Submission:

GeneDx
Classification: Uncertain significance. Last evaluated: 2026-03-23. Review status: criteria provided, single submitter. Criteria: GeneDx Variant Classification Process June 2021. Collection method: clinical testing. Allele origin: germline.
Comment: Not observed at significant frequency in large population cohorts (gnomAD); In silico analysis suggests that this missense variant does not alter protein structure/function; Has not been previously published as pathogenic or benign to our knowledge

NM_001368397.1(FRMPD4):c.3837C>G (p.His1279Gln)

Gene: FRMPD4 (FERM and PDZ domain containing 4; plus strand). Cytogenetic location: Xp22.2.
Variant type: single nucleotide variant.
Coding change: c.3837C>G on transcript NM_001368397.1 (MANE Select); coding-DNA position 3837, C replaced by G.
Protein change: p.His1279Gln; replaces histidine 1279 with glutamine.
Molecular consequence: missense variant.
Genome position (GRCh38, 1-based): chrX:12,718,663, C>G. VCF-style: chrX-12718663-C-G. GRCh37 (hg19) VCF-style: chrX-12736782-C-G.
Other names: c.3948C>G, p.His1316Gln (NM_001368395.3, NM_001368398.3); c.3843C>G, p.His1281Gln (NM_001368396.3); c.3828C>G, p.His1276Gln (NM_001368399.3); c.3717C>G, p.His1239Gln (NM_001368400.3); c.3813C>G, p.His1271Gln (NM_001368401.1, NM_001368402.3); c.3837C>G, p.His1279Gln (NM_014728.3); short protein forms H1239Q, H1271Q, H1276Q, H1279Q, H1281Q, H1316Q.
Identifiers: ClinVar variation 5017274 (VCV005017274.1).